The following is an entry in ClinVar:

NM_024408.4(NOTCH2):c.2915C>T (p.Thr972Ile)

Gene: NOTCH2 (notch receptor 2; minus strand). Cytogenetic location: 1p12.
Variant type: single nucleotide variant.
Coding change: c.2915C>T on transcript NM_024408.4 (MANE Select); coding-DNA position 2915, C replaced by T.
Protein change: p.Thr972Ile; replaces threonine 972 with isoleucine.
Molecular consequence: missense variant.
Genome position (GRCh38, 1-based): chr1:119,941,592, G>A on the plus strand (C>T on the coding strand, the complement: NOTCH2 is on the minus strand). VCF-style: chr1-119941592-G-A. GRCh37 (hg19) VCF-style: chr1-120484215-G-A.
Other names: c.2915C>T, p.Thr972Ile (NM_001200001.2); short protein forms T972I.
Identifiers: ClinVar variation 1447406 (VCV001447406.6), dbSNP rs1650065665, ClinGen allele CA341855640.

ClinVar aggregate classification (germline): Uncertain significance (1 of 4 stars; one submission).

Conditions:
Hajdu-Cheney syndrome (HJCYS). Also called: Acroosteolysis dominant type; SERPENTINE FIBULA-POLYCYSTIC KIDNEY SYNDROME; ACROOSTEOLYSIS WITH OSTEOPOROSIS AND CHANGES IN SKULL AND MANDIBLE. Identifiers: Orphanet 955, MedGen C0917715, MONDO:0007057, OMIM 102500.

Allele frequency attached by ClinVar (database versions not stated): gnomAD 0.00001; TOPMed 0.00001.
gnomAD v4.1: 5 of 1,614,082 alleles (0.00031%); highest among the groups gnomAD compares: Non-Finnish European, 0.00042%; no homozygotes.

Submission:

Labcorp Genetics (formerly Invitae), Labcorp
Classification: Uncertain significance for Hajdu-Cheney syndrome. Last evaluated: 2021-11-22. Review status: criteria provided, single submitter. Criteria: Invitae Variant Classification Sherloc (09022015). Collection method: clinical testing. Allele origin: germline.
Comment: Algorithms developed to predict the effect of missense changes on protein structure and function (SIFT, PolyPhen-2, Align-GVGD) all suggest that this variant is likely to be disruptive. In summary, the available evidence is currently insufficient to determine the role of this variant in disease. Therefore, it has been classified as a Variant of Uncertain Significance. This variant has not been reported in the literature in individuals affected with NOTCH2-related conditions. This variant is not present in population databases (gnomAD no frequency). This sequence change replaces threonine, which is neutral and polar, with isoleucine, which is neutral and non-polar, at codon 972 of the NOTCH2 protein (p.Thr972Ile).